The following is an entry in ClinVar:

ClinVar aggregate classification (germline): Pathogenic (1 of 4 stars; one submission).

Conditions:
Primary ciliary dyskinesia. Also called: Ciliary dyskinesia. Identifiers: Orphanet 244, MedGen C0008780, MONDO:0016575, HP:0012265.

Submission:

Labcorp Genetics (formerly Invitae), Labcorp
Classification: Pathogenic for Primary ciliary dyskinesia. Last evaluated: 2023-02-09. Review status: criteria provided, single submitter. Criteria: Invitae Variant Classification Sherloc (09022015). Collection method: clinical testing. Allele origin: germline.
Comment: This sequence change creates a premature translational stop signal (p.Glu238*) in the CCDC40 gene. It is expected to result in an absent or disrupted protein product. Loss-of-function variants in CCDC40 are known to be pathogenic (PMID: 21131974, 22693285, 23255504). This variant is not present in population databases (gnomAD no frequency). This premature translational stop signal has been observed in individual(s) with primary ciliary dyskinesia (PMID: 31879361). For these reasons, this variant has been classified as Pathogenic.

Literature cited by the submitters: PubMed 21131974; PubMed 22693285; PubMed 23255504; PubMed 31879361.

NM_017950.4(CCDC40):c.712G>T (p.Glu238Ter)

Gene: CCDC40 (coiled-coil domain 40 molecular ruler complex subunit; plus strand). Cytogenetic location: 17q25.3.
Variant type: single nucleotide variant.
Coding change: c.712G>T on transcript NM_017950.4 (MANE Select); coding-DNA position 712, G replaced by T.
Protein change: p.Glu238Ter; replaces glutamic acid 238 with a stop codon.
Molecular consequence: nonsense.
Genome position (GRCh38, 1-based): chr17:80,048,618, G>T. VCF-style: chr17-80048618-G-T. GRCh37 (hg19) VCF-style: chr17-78022417-G-T.
Other names: c.712G>T, p.Glu238Ter (NM_001243342.2, NM_001330508.2); short protein forms E238*.
Identifiers: ClinVar variation 2982384 (VCV002982384.3), dbSNP rs1051138932, ClinGen allele CA401353656.
Genomic context (GRCh38, chr17:80,048,618, plus strand): 5'-ATGGTGTCGCTGTCTCTCCCCCCAGTGATCCCCCCAGGGGTGCCCGATGCCCACCCCAGG[G>T]AAGGAGACCTGCCAGTGTTCCAGGACCAGATCCAGCAGCCCAGCACCGAGGAGGGGGCCA-3'